The following is an entry in ClinVar:

ClinVar aggregate classification (germline): Uncertain significance. Review status: criteria provided, multiple submitters, no conflicts (2 of 4 stars). 2 submissions from 2 submitters: Uncertain significance (2). Last evaluated 2025-03-31.

Conditions:
Inborn genetic diseases. Identifiers: MedGen C0950123, MeSH D030342.

Allele frequency attached by ClinVar (database versions not stated): ExAC 0.00001; gnomAD exomes 0.00001; gnomAD 0.00007; ESP Exome Variant Server 0.00008; TOPMed 0.00009; 1000 Genomes Project 30x 0.00016; 1000 Genomes Project 0.00020.
gnomAD v4.1: 24 of 1,609,966 alleles (0.0015%); highest among the groups gnomAD compares: African/African-American, 0.02%; no homozygotes.

Submissions (2):

Labcorp Genetics (formerly Invitae), Labcorp
Classification: Uncertain significance. Last evaluated: 2025-03-31. Review status: criteria provided, single submitter. Criteria: Invitae Variant Classification Sherloc (09022015). Collection method: clinical testing. Allele origin: germline.
Comment: This sequence change replaces aspartic acid, which is acidic and polar, with glutamic acid, which is acidic and polar, at codon 113 of the CPLX1 protein (p.Asp113Glu). This variant is present in population databases (rs202217824, gnomAD 0.01%). This variant has not been reported in the literature in individuals affected with CPLX1-related conditions. ClinVar contains an entry for this variant (Variation ID: 2058566). An algorithm developed to predict the effect of missense changes on protein structure and function outputs the following: PolyPhen-2: "Benign". The glutamic acid amino acid residue is found in multiple mammalian species, which suggests that this missense change does not adversely affect protein function. In summary, the available evidence is currently insufficient to determine the role of this variant in disease. Therefore, it has been classified as a Variant of Uncertain Significance.

Ambry Genetics
Classification: Uncertain significance for Inborn genetic diseases. Last evaluated: 2024-06-11. Review status: criteria provided, single submitter. Criteria: Ambry Variant Classification Scheme 2023. Collection method: clinical testing. Allele origin: germline.

NM_006651.4(CPLX1):c.339C>G (p.Asp113Glu)

Gene: CPLX1 (complexin 1; minus strand). Cytogenetic location: 4p16.3.
Variant type: single nucleotide variant.
Coding change: c.339C>G on transcript NM_006651.4 (MANE Select); coding-DNA position 339, C replaced by G.
Protein change: p.Asp113Glu; replaces aspartic acid 113 with glutamic acid.
Molecular consequence: missense variant.
Genome position (GRCh38, 1-based): chr4:786,567, G>C on the plus strand (C>G on the coding strand, the complement: CPLX1 is on the minus strand). VCF-style: chr4-786567-G-C. GRCh37 (hg19) VCF-style: chr4-780355-G-C.
Other names: c.339C>G (NM_006651.3); short protein forms D113E.
Identifiers: ClinVar variation 2058566 (VCV002058566.5), dbSNP rs202217824, ClinGen allele CA2796901.